The following is an entry in ClinVar:

ClinVar aggregate classification (germline): Uncertain significance. Review status: criteria provided, multiple submitters, no conflicts (2 of 4 stars). 3 submissions from 3 submitters: Uncertain significance (3). Last evaluated 2025-07-20.

Conditions:
Chromosome 1q21.1 deletion syndrome. Also called: CHROMOSOME 1q21.1 DELETION SYNDROME, 1.35-MB; 1q21.1 recurrent microdeletion; 1q21.1 Deletion. Identifiers: Orphanet 250989, MedGen C2675897, MONDO:0012914, OMIM 612474.
Atrial standstill 1 (ATRST1). Also called: ATRIAL CARDIOMYOPATHY WITH HEART BLOCK; CARDIOMYOPATHY, FAMILIAL, WITH CONDUCTION DISTURBANCE; Atrial standstill, digenic (GJA5/SCN5A). Identifiers: Orphanet 1344, MedGen C4551959, MONDO:0007171, OMIM 108770.
Atrial fibrillation, familial, 11 (ATFB11). Identifiers: MedGen C3279693, MONDO:0013544, OMIM 614049.
Inborn genetic diseases. Identifiers: MedGen C0950123, MeSH D030342.

Allele frequency attached by ClinVar (database versions not stated): TOPMed 0.00004; gnomAD 0.00005 and 0.00006.
gnomAD v4.1: 82 of 1,614,098 alleles (0.0051%); highest among the groups gnomAD compares: Admixed American, 0.012%; no homozygotes.

Submissions (3):

Labcorp Genetics (formerly Invitae), Labcorp
Classification: Uncertain significance for Atrial fibrillation, familial, 11; Atrial standstill 1. Last evaluated: 2025-07-20. Review status: criteria provided, single submitter. Criteria: Invitae Variant Classification Sherloc (09022015). Collection method: clinical testing. Allele origin: germline.
Comment: This sequence change replaces serine, which is neutral and polar, with phenylalanine, which is neutral and non-polar, at codon 122 of the GJA5 protein (p.Ser122Phe). This variant is present in population databases (rs781831348, gnomAD 0.01%). This variant has not been reported in the literature in individuals affected with GJA5-related conditions. ClinVar contains an entry for this variant (Variation ID: 539329). Invitae Evidence Modeling of protein sequence and biophysical properties (such as structural, functional, and spatial information, amino acid conservation, physicochemical variation, residue mobility, and thermodynamic stability) indicates that this missense variant is not expected to disrupt GJA5 protein function with a negative predictive value of 80%. In summary, the available evidence is currently insufficient to determine the role of this variant in disease. Therefore, it has been classified as a Variant of Uncertain Significance.

Ambry Genetics
Classification: Uncertain significance for Inborn genetic diseases. Last evaluated: 2024-06-22. Review status: criteria provided, single submitter. Criteria: Ambry Variant Classification Scheme 2023. Collection method: clinical testing. Allele origin: germline.

Department of Pathology and Laboratory Medicine, Sinai Health System
Classification: Uncertain significance for Atrial standstill 1; Chromosome 1q21.1 deletion syndrome; Atrial fibrillation, familial, 11. Last evaluated: 2022-08-16. Review status: criteria provided, single submitter. Criteria: ACMG Guidelines, 2015. Collection method: research. Allele origin: germline.

NM_181703.4(GJA5):c.365C>T (p.Ser122Phe)

Gene: GJA5 (gap junction protein alpha 5; minus strand). Cytogenetic location: 1q21.2.
Variant type: single nucleotide variant.
Coding change: c.365C>T on transcript NM_181703.4 (MANE Select); coding-DNA position 365, C replaced by T.
Protein change: p.Ser122Phe; replaces serine 122 with phenylalanine.
Molecular consequence: missense variant.
Genome position (GRCh38, 1-based): chr1:147,758,874, G>A on the plus strand (C>T on the coding strand, the complement: GJA5 is on the minus strand). VCF-style: chr1-147758874-G-A. GRCh37 (hg19) VCF-style: chr1-147230982-G-A.
Other names: c.365C>T (NM_005266.5); c.365C>T, p.Ser122Phe (NM_005266.7); short protein forms S122F.
Identifiers: ClinVar variation 539329 (VCV000539329.8), dbSNP rs781831348, ClinGen allele CA1065778.
Genomic context (GRCh38, chr1:147,758,874, plus strand): 5'-CTTCCATTCCCTTCCTCCCAGCAGGACAGTTCTGCCTTCTCTGCCACCGGGTACTCGTAA[G>A]AGCCAGAGCCCCGGACCTCTTTGGCCCTCTCGGCCTCCCGTAGCTTGCGCTTCTCCTGCA-3'
Protein context (NP_859054.1, residues 112-132): ERAKEVRGSG[Ser122Phe]YEYPVAEKAE